The following is an entry in ClinVar:

NM_000179.3(MSH6):c.4067_*3delinsAGTCTATAATTCCTTAATCAATGTAGTCAGTCTATAATTCCTTAATCA (p.Leu1356_Leu1360del)

Gene: MSH6 (mutS homolog 6; plus strand). Cytogenetic location: 2p16.3.
Variant type: Indel.
Coding change: c.4067_*3delinsAGTCTATAATTCCTTAATCAATGTAGTCAGTCTATAATTCCTTAATCA on transcript NM_000179.3 (MANE Select); coding-DNA position 4067 through 3 bases downstream of the stop codon, the reference bases replaced by an inserted sequence.
Protein change: p.Leu1356_Leu1360del.
Molecular consequence: inframe deletion. On other transcripts: 3 prime UTR variant (5), non-coding transcript variant (5).
Genome position (GRCh38, 1-based): chr2:47,806,844-47,806,863, 20 bases replaced. GRCh37 (hg19): chr2:48,033,983-48,034,002.
Other names: c.3161_*3delinsAGTCTATAATTCCTTAATCAATGTAGTCAGTCTATAATTCCTTAATCA, p.Leu1054_Leu1058del (NM_001281493.2, NM_001281494.2, NM_001406811.1 and 6 more transcripts); c.4163_*3delinsAGTCTATAATTCCTTAATCAATGTAGTCAGTCTATAATTCCTTAATCA, p.Leu1388_Leu1392del (NM_001406795.1); c.4067_*3delinsAGTCTATAATTCCTTAATCAATGTAGTCAGTCTATAATTCCTTAATCA, p.Leu1356_Leu1360del (NM_001406796.1, NM_001406809.1); c.3770_*3delinsAGTCTATAATTCCTTAATCAATGTAGTCAGTCTATAATTCCTTAATCA, p.Leu1257_Leu1261del (NM_001406797.1, NM_001406805.1, NM_001406818.1 and 8 more transcripts); c.3893_*3delinsAGTCTATAATTCCTTAATCAATGTAGTCAGTCTATAATTCCTTAATCA, p.Leu1298_Leu1302del (NM_001406798.1); c.3542_*3delinsAGTCTATAATTCCTTAATCAATGTAGTCAGTCTATAATTCCTTAATCA, p.Leu1181_Leu1185del (NM_001406799.1, NM_001406806.1, NM_001406807.1); c.*88_*107delinsAGTCTATAATTCCTTAATCAATGTAGTCAGTCTATAATTCCTTAATCA (NM_001406800.1); c.*48_*67delinsAGTCTATAATTCCTTAATCAATGTAGTCAGTCTATAATTCCTTAATCA (NM_001406801.1, NM_001406802.1, NM_001406808.1 and 1 more transcripts); and 9 more.
Identifiers: ClinVar variation 4657920 (VCV004657920.1).

ClinVar aggregate classification (germline): Uncertain significance (1 of 4 stars; one submission).

Conditions:
Hereditary cancer-predisposing syndrome. Also called: Neoplastic Syndromes, Hereditary; Tumor predisposition; Hereditary Cancer Syndrome; Hereditary neoplastic syndrome. Identifiers: Orphanet 140162, MedGen C0027672, MeSH D009386, MONDO:0015356.

Submission:

Ambry Genetics
Classification: Uncertain significance for Hereditary cancer-predisposing syndrome. Last evaluated: 2025-11-11. Review status: criteria provided, single submitter. Criteria: Ambry Variant Classification Scheme 2023. Collection method: clinical testing. Allele origin: germline.
Comment: The c.4067_*3del20ins48 variant (also known as p.L1356*), located in coding exon 10 of the MSH6 gene, results from a deletion of 20 nucleotides and insertion of 48 nucleotides starting at nucleotide position 4067. This changes the amino acid from a leucine to a stop codon within coding exon 10. This alteration occurs at the 3' terminus of theMSH6 gene, is not expected to trigger nonsense-mediated mRNAdecay, and impacts the last 0.3% of the protein. The exact functional effect of this alteration is unknown. Based on the available evidence, the clinical significance of this variant remains unclear.